The following is an entry in ClinVar:

ClinVar aggregate classification (germline): Uncertain significance. Review status: criteria provided, multiple submitters, no conflicts (2 of 4 stars). 2 submissions from 2 submitters: Uncertain significance (2). Last evaluated 2025-11-24.

Conditions:
Hereditary cancer-predisposing syndrome. Also called: Hereditary Cancer Syndrome; Hereditary neoplastic syndrome; Neoplastic Syndromes, Hereditary; Tumor predisposition. Identifiers: Orphanet 140162, MedGen C0027672, MeSH D009386, MONDO:0015356.
Familial cancer of breast. Also called: BREAST CANCER, FAMILIAL; hereditary breast carcinoma; Hereditary breast cancer. Identifiers: Orphanet 227535, MedGen C0346153, MONDO:0016419, OMIM 114480. Disease mechanism: loss of function.

Submissions (2):

Labcorp Genetics (formerly Invitae), Labcorp
Classification: Uncertain significance for Familial cancer of breast. Last evaluated: 2025-11-24. Review status: criteria provided, single submitter. Criteria: Invitae Variant Classification Sherloc (09022015). Collection method: clinical testing. Allele origin: germline.
Comment: This sequence change replaces glycine, which is neutral and non-polar, with glutamic acid, which is acidic and polar, at codon 320 of the BARD1 protein (p.Gly320Glu). This variant is not present in population databases (gnomAD no frequency). This variant has not been reported in the literature in individuals affected with BARD1-related conditions. ClinVar contains an entry for this variant (Variation ID: 1767502). An algorithm developed to predict the effect of missense changes on protein structure and function outputs the following: PolyPhen-2: "Benign". The glutamic acid amino acid residue is found in multiple mammalian species, which suggests that this missense change does not adversely affect protein function. In summary, the available evidence is currently insufficient to determine the role of this variant in disease. Therefore, it has been classified as a Variant of Uncertain Significance.

Ambry Genetics
Classification: Uncertain significance for Hereditary cancer-predisposing syndrome. Last evaluated: 2023-06-18. Review status: criteria provided, single submitter. Criteria: Ambry Variant Classification Scheme 2023. Collection method: clinical testing. Allele origin: germline.
Comment: The p.G320E variant (also known as c.959G>A), located in coding exon 4 of the BARD1 gene, results from a G to A substitution at nucleotide position 959. The glycine at codon 320 is replaced by glutamic acid, an amino acid with similar properties. This amino acid position is well conserved in available vertebrate species. In addition, this alteration is predicted to be tolerated by in silico analysis. Since supporting evidence is limited at this time, the clinical significance of this alteration remains unclear.

NM_000465.4(BARD1):c.959G>A (p.Gly320Glu)

Gene: BARD1 (BRCA1 associated RING domain 1; minus strand). Cytogenetic location: 2q35.
Variant type: single nucleotide variant.
Coding change: c.959G>A on transcript NM_000465.4 (MANE Select); coding-DNA position 959, G replaced by A.
Protein change: p.Gly320Glu; replaces glycine 320 with glutamic acid.
Molecular consequence: missense variant. On other transcripts: non-coding transcript variant (2), intron variant (3).
Genome position (GRCh38, 1-based): chr2:214,780,915, C>T on the plus strand (G>A on the coding strand, the complement: BARD1 is on the minus strand). VCF-style: chr2-214780915-C-T. GRCh37 (hg19) VCF-style: chr2-215645639-C-T.
Other names: c.902G>A, p.Gly301Glu (NM_001282543.2); c.159-28360G>A (NM_001282548.2); c.215+16146G>A (NM_001282545.2); c.364+11382G>A (NM_001282549.2); short protein forms G320E, G301E.
Identifiers: ClinVar variation 1767502 (VCV001767502.4), dbSNP rs2106109536, ClinGen allele CA350454726.